The following is an entry in ClinVar:

ClinVar aggregate classification (germline): Uncertain significance (1 of 4 stars; one submission).

Allele frequency attached by ClinVar (database versions not stated): gnomAD exomes below 0.00001; TOPMed below 0.00001; gnomAD 0.00001.
gnomAD v4.1: 3 of 1,614,002 alleles (0.00019%); highest among the groups gnomAD compares: Non-Finnish European, 0.00025%; no homozygotes.

Submission:

Ambry Genetics
Classification: Uncertain significance. Last evaluated: 2024-04-09. Review status: criteria provided, single submitter. Criteria: Ambry Variant Classification Scheme 2023. Collection method: clinical testing. Allele origin: germline.
Comment: The p.C684R variant (also known as c.2050T>C), located in coding exon 18 of the RAD54L gene, results from a T to C substitution at nucleotide position 2050. The cysteine at codon 684 is replaced by arginine, an amino acid with highly dissimilar properties. This amino acid position is conserved. In addition, this alteration is predicted to be deleterious by in silico analysis. Since supporting evidence is limited at this time, the clinical significance of this alteration remains unclear.

NM_003579.4(RAD54L):c.2050T>C (p.Cys684Arg)

Genes: RAD54L (RAD54 like; plus strand), LRRC41 (leucine rich repeat containing 41; minus strand). Cytogenetic location: 1p34.1.
Variant type: single nucleotide variant.
Coding change: c.2050T>C on transcript NM_003579.4 (MANE Select); coding-DNA position 2050, T replaced by C.
Protein change: p.Cys684Arg; replaces cysteine 684 with arginine.
Molecular consequence: missense variant. On other transcripts: 3 prime UTR variant (1).
Genome position (GRCh38, 1-based): chr1:46,278,088, T>C. VCF-style: chr1-46278088-T-C. GRCh37 (hg19) VCF-style: chr1-46743760-T-C.
Other names: c.*777A>G (NM_006369.5); c.2050T>C, p.Cys684Arg (NM_001142548.2); c.1510T>C, p.Cys504Arg (NM_001370766.1); short protein forms C684R, C504R.
Identifiers: ClinVar variation 1785074 (VCV001785074.3), dbSNP rs1424292043, ClinGen allele CA340190838.